The following is an entry in ClinVar:

NM_001365088.1(SLC12A6):c.2002_2003insTGGA (p.Arg668fs)

Gene: SLC12A6 (solute carrier family 12 member 6; minus strand). Cytogenetic location: 15q14.
Variant type: Insertion.
Coding change: c.2002_2003insTGGA on transcript NM_001365088.1 (MANE Select); coding-DNA positions 2002 to 2003, TGGA inserted.
Protein change: p.Arg668fs; shifts the reading frame from arginine 668.
Molecular consequence: frameshift variant.
Genome position: GRCh38 VCF-style: chr15-34244013-C-CTCCA. GRCh37 (hg19) VCF-style: chr15-34536214-C-CTCCA.
Other names: c.1825_1826insTGGA, p.Arg609fs (NM_001042494.2, NM_001042495.2); c.1975_1976insTGGA, p.Arg659fs (NM_001042496.2); c.1957_1958insTGGA, p.Arg653fs (NM_001042497.2); c.1849_1850insTGGA, p.Arg617fs (NM_005135.2); c.2002_2003insTGGA, p.Arg668fs (NM_133647.2); short protein forms R609fs, R617fs, R653fs, R659fs, R668fs.
Identifiers: ClinVar variation 1075604 (VCV001075604.7), dbSNP rs2140682397, ClinGen allele CA2499222889.
Genomic context (GRCh38, chr15:34,244,013, plus strand): 5'-GAATAAAAGAAGCAGACTTACCAATGGTAGTAGCGGAATCGGGGTCTCCAGTTGGGTGTT[C>CTCCA]GAAGTAATGTTTGCAAGGCACATGCCAAGTTTACAAAGAGGTAACACATGAGAAAAAACC-3'

ClinVar aggregate classification (germline): Pathogenic (1 of 4 stars; one submission).

Submission:

Labcorp Genetics (formerly Invitae), Labcorp
Classification: Pathogenic. Last evaluated: 2020-08-27. Review status: criteria provided, single submitter. Criteria: Invitae Variant Classification Sherloc (09022015). Collection method: clinical testing. Allele origin: germline.
Comment: This sequence change creates a premature translational stop signal (p.Arg668Leufs*52) in the SLC12A6 gene. It is expected to result in an absent or disrupted protein product. This variant is not present in population databases (ExAC no frequency). This variant has not been reported in the literature in individuals with SLC12A6-related conditions. Loss-of-function variants in SLC12A6 are known to be pathogenic (PMID: 12368912, 16606917). For these reasons, this variant has been classified as Pathogenic.

Literature cited by the submitters: PubMed 12368912; PubMed 16606917.